The following is an entry in ClinVar:

ClinVar aggregate classification (germline): Uncertain significance (1 of 4 stars; one submission).

Submission:

Women's Health and Genetics/Laboratory Corporation of America, LabCorp
Classification: Uncertain significance. Last evaluated: 2025-04-07. Review status: criteria provided, single submitter. Criteria: LabCorp Variant Classification Summary - May 2015. Collection method: clinical testing. Allele origin: germline.
Comment: Variant summary: PSMB4 c.*5C>T is located in the untranslated mRNA region downstream of the termination codon. The variant allele was found at a frequency of 3.6e-05 in 251350 control chromosomes. The available data on variant occurrences in the general population are insufficient to allow any conclusion about variant significance. To our knowledge, no occurrence of c.*5C>T in individuals affected with Proteasome-associated autoinflammatory syndrome 3 and no experimental evidence demonstrating its impact on protein function have been reported. No submitters have cited clinical-significance assessments for this variant to ClinVar. Based on the evidence outlined above, the variant was classified as uncertain significance.

NM_002796.3(PSMB4):c.*5C>T

Gene: PSMB4 (proteasome 20S subunit beta 4; plus strand). Cytogenetic location: 1q21.3.
Variant type: single nucleotide variant.
Coding change: c.*5C>T on transcript NM_002796.3 (MANE Select); 5 bases downstream of the stop codon, C replaced by T.
Molecular consequence: 3 prime UTR variant.
Genome position (GRCh38, 1-based): chr1:151,401,834, C>T. VCF-style: chr1-151401834-C-T. GRCh37 (hg19) VCF-style: chr1-151374310-C-T.
Identifiers: ClinVar variation 3896438 (VCV003896438.2).